The following is an entry in ClinVar:

ClinVar aggregate classification (germline): Uncertain significance. Review status: criteria provided, multiple submitters, no conflicts (2 of 4 stars). 2 submissions from 2 submitters: Uncertain significance (2). Last evaluated 2023-08-17.

Conditions:
Inborn genetic diseases. Identifiers: MedGen C0950123, MeSH D030342.
Neuropathy, hereditary sensory, type 1F. Also called: Hereditary sensory neuropathy type IF; HSN IF. Identifiers: Orphanet 36386, MedGen C3810194, MONDO:0014286, OMIM 615632.

Allele frequency attached by ClinVar (database versions not stated): gnomAD exomes below 0.00001; TOPMed below 0.00001; gnomAD 0.00001.
gnomAD v4.1: 5 of 1,606,728 alleles (0.00031%); highest among the groups gnomAD compares: Non-Finnish European, 0.00043%; no homozygotes.

Submissions (2):

Labcorp Genetics (formerly Invitae), Labcorp
Classification: Uncertain significance for Neuropathy, hereditary sensory, type 1F. Last evaluated: 2023-08-17. Review status: criteria provided, single submitter. Criteria: Invitae Variant Classification Sherloc (09022015). Collection method: clinical testing. Allele origin: germline.
Comment: This sequence change replaces arginine, which is basic and polar, with glycine, which is neutral and non-polar, at codon 213 of the ATL3 protein (p.Arg213Gly). This variant is not present in population databases (gnomAD no frequency). This variant has not been reported in the literature in individuals affected with ATL3-related conditions. ClinVar contains an entry for this variant (Variation ID: 970506). Advanced modeling of protein sequence and biophysical properties (such as structural, functional, and spatial information, amino acid conservation, physicochemical variation, residue mobility, and thermodynamic stability) performed at Invitae indicates that this missense variant is expected to disrupt ATL3 protein function. In summary, the available evidence is currently insufficient to determine the role of this variant in disease. Therefore, it has been classified as a Variant of Uncertain Significance.

Ambry Genetics
Classification: Uncertain significance for Inborn genetic diseases. Last evaluated: 2020-10-21. Review status: criteria provided, single submitter. Criteria: Ambry Variant Classification Scheme 2023. Collection method: clinical testing. Allele origin: germline.
Comment: The p.R213G variant (also known as c.637A>G), located in coding exon 7 of the ATL3 gene, results from an A to G substitution at nucleotide position 637. The arginine at codon 213 is replaced by glycine, an amino acid with dissimilar properties. This amino acid position is highly conserved in available vertebrate species. In addition, this alteration is predicted to be deleterious by in silico analysis. Since supporting evidence is limited at this time, the clinical significance of this alteration remains unclear.

NM_015459.5(ATL3):c.637A>G (p.Arg213Gly)

Genes: LNCROPM (lncRNA regulator of PLAAT3 mediated phospholipid metabolism; plus strand), ATL3 (atlastin GTPase 3; minus strand). Cytogenetic location: 11q13.1.
Variant type: single nucleotide variant.
Coding change: c.637A>G on transcript NM_015459.5 (MANE Select); coding-DNA position 637, A replaced by G.
Protein change: p.Arg213Gly; replaces arginine 213 with glycine.
Molecular consequence: missense variant.
Genome position (GRCh38, 1-based): chr11:63,644,243, T>C on the plus strand (A>G on the coding strand, the complement: ATL3 is on the minus strand). VCF-style: chr11-63644243-T-C. GRCh37 (hg19) VCF-style: chr11-63411715-T-C.
Other names: c.583A>G, p.Arg195Gly (NM_001290048.2); short protein forms R213G, R195G.
Identifiers: ClinVar variation 970506 (VCV000970506.11), dbSNP rs1177166272, ClinGen allele CA381024678.
Genomic context (GRCh38, chr11:63,644,243, plus strand): 5'-CCAAAAATGCCATTCCTCCTTGGAGTCCATAGCTATATTCATAAGGGAAACTCCAATCTC[T>C]AACCAAAAACATCAGTGTCTATTTAAGAAAAGAGCGGAACATATTTTAACATGCATAAAC-3'
Protein context (NP_056274.3, residues 203-223): KPFQTLMFLV[Arg213Gly]DWSFPYEYSY